The following is an entry in ClinVar:

NM_000085.5(CLCNKB):c.2002G>C (p.Val668Leu)

Genes: CLCNKB (chloride voltage-gated channel Kb; plus strand), LOC106501713 (CLCNKB recombination region; plus strand). Cytogenetic location: 1p36.13.
Variant type: single nucleotide variant.
Coding change: c.2002G>C on transcript NM_000085.5 (MANE Select); coding-DNA position 2002, G replaced by C.
Protein change: p.Val668Leu; replaces valine 668 with leucine.
Molecular consequence: missense variant.
Genome position (GRCh38, 1-based): chr1:16,056,494, G>C. VCF-style: chr1-16056494-G-C. GRCh37 (hg19) VCF-style: chr1-16382989-G-C.
Other names: c.1492G>C, p.Val498Leu (NM_001165945.2); short protein forms V668L, V498L.
Identifiers: ClinVar variation 64379 (VCV000064379.5), dbSNP rs375288190, ClinGen allele CA216010.

ClinVar aggregate classification (germline): Conflicting classifications of pathogenicity. Review status: criteria provided, conflicting classifications (1 of 4 stars). 3 submissions from 3 submitters: Uncertain significance (1); Likely benign (1). 1 of the submissions does not count toward it. Last evaluated 2026-01-27.

Conditions:
Bartter disease type 4B. Also called: Bartter syndrome, type 4b, digenic; BARTTER SYNDROME, TYPE 4B; BARTTER SYNDROME, TYPE 4B, NEONATAL, WITH SENSORINEURAL DEAFNESS. Identifiers: Orphanet 112, MedGen C4310805, MONDO:0000909, OMIM 613090.
Bartter disease type 3. Also called: Bartter syndrome type 3. Identifiers: Orphanet 112, Orphanet 93605, MedGen C1846343, MONDO:0011822, OMIM 607364.

Allele frequency attached by ClinVar (database versions not stated): gnomAD 0.00003; TOPMed 0.00009; ESP Exome Variant Server 0.00015.
gnomAD v4.1: 126 of 1,612,368 alleles (0.0078%); highest among the groups gnomAD compares: East Asian, 0.016%; no homozygotes.

Submissions (3):

Labcorp Genetics (formerly Invitae), Labcorp
Classification: Likely benign. Last evaluated: 2026-01-27. Review status: criteria provided, single submitter. Criteria: Invitae Variant Classification Sherloc (09022015). Collection method: clinical testing. Allele origin: germline.

Fulgent Genetics
Classification: Uncertain significance for Bartter disease type 3; Bartter disease type 4B. Last evaluated: 2024-05-10. Review status: criteria provided, single submitter. Criteria: ACMG Guidelines, 2015. Collection method: clinical testing. Allele origin: germline.

Martin Pollak Laboratory,  Beth Israel Deaconess Medical Center
Classification: Uncertain significance. Review status: no assertion criteria provided. Collection method: not provided. Allele origin: unknown. Not counted in ClinVar's aggregate classification.
Comment: Lower UCa2+ group
ClinVar note: Converted during submission from unknown to Uncertain significance.